The following is an entry in ClinVar:

NM_001130987.2(DYSF):c.5793C>T (p.Phe1931=)

Gene: DYSF (dysferlin; plus strand). Cytogenetic location: 2p13.2.
Variant type: single nucleotide variant.
Coding change: c.5793C>T on transcript NM_001130987.2 (MANE Select); coding-DNA position 5793, C replaced by T.
Protein change: p.Phe1931=; no amino-acid change (phenylalanine 1931 retained).
Molecular consequence: synonymous variant.
Genome position (GRCh38, 1-based): chr2:71,674,205, C>T. VCF-style: chr2-71674205-C-T. GRCh37 (hg19) VCF-style: chr2-71901335-C-T.
Other names: c.5679C>T, p.Phe1893= (NM_001130455.2); c.5634C>T, p.Phe1878= (NM_001130976.2); c.5697C>T, p.Phe1899= (NM_001130977.2); c.5739C>T, p.Phe1913= (NM_001130978.2); c.5769C>T, p.Phe1923= (NM_001130979.2); c.5727C>T, p.Phe1909= (NM_001130980.2); c.5790C>T, p.Phe1930= (NM_001130981.2); c.5772C>T, p.Phe1924= (NM_001130982.2); and 5 more.
Identifiers: ClinVar variation 1144053 (VCV001144053.10), dbSNP rs757197206, ClinGen allele CA1707513.

ClinVar aggregate classification (germline): Likely benign. Review status: criteria provided, multiple submitters, no conflicts (2 of 4 stars). 2 submissions from 2 submitters: Likely benign (2). Last evaluated 2026-08-01.

Conditions:
Neuromuscular disease caused by qualitative or quantitative defects of dysferlin. Also called: Qualitative or quantitative defects of dysferlin; Dysferlinopathy. Identifiers: Orphanet 207073, MedGen C2931687, MONDO:0016145.

Allele frequency attached by ClinVar (database versions not stated): gnomAD 0.00001; TOPMed 0.00001; gnomAD exomes below 0.00001; ExAC 0.00001.
gnomAD v4.1: 3 of 1,614,072 alleles (0.00019%); highest among the groups gnomAD compares: African/African-American, 0.0013%; no homozygotes.

Submissions (2):

CeGaT Center for Human Genetics Tuebingen
Classification: Likely benign. Last evaluated: 2026-08-01. Review status: criteria provided, single submitter. Criteria: CeGaT Center For Human Genetics Tuebingen Variant Classification Criteria Version 2. Collection method: clinical testing. Allele origin: germline. Affected: yes. Observed: 1 variant allele.
Comment: DYSF: BP4, BP7

Labcorp Genetics (formerly Invitae), Labcorp
Classification: Likely benign for Neuromuscular disease caused by qualitative or quantitative defects of dysferlin. Last evaluated: 2023-09-21. Review status: criteria provided, single submitter. Criteria: Invitae Variant Classification Sherloc (09022015). Collection method: clinical testing. Allele origin: germline.